The following is an entry in ClinVar:

NM_198390.3(CMIP):c.1551C>T (p.Ser517=)

Gene: CMIP (c-Maf inducing protein; plus strand). Cytogenetic location: 16q23.3.
Variant type: single nucleotide variant.
Coding change: c.1551C>T on transcript NM_198390.3 (MANE Select); coding-DNA position 1551, C replaced by T.
Protein change: p.Ser517=; no amino-acid change (serine 517 retained).
Molecular consequence: synonymous variant.
Genome position (GRCh38, 1-based): chr16:81,696,580, C>T. VCF-style: chr16-81696580-C-T. GRCh37 (hg19) VCF-style: chr16-81730185-C-T.
Other names: c.1269C>T, p.Ser423= (NM_030629.3).
Identifiers: ClinVar variation 752909 (VCV000752909.6), dbSNP rs60152409, ClinGen allele CA8192590.

ClinVar aggregate classification (germline): Benign. Review status: criteria provided, single submitter (1 of 4 stars). 2 submissions from 2 submitters: Benign (1). 1 of the submissions does not count toward it. Last evaluated 2019-12-31.

Conditions:
CMIP-related disorder. Also called: CMIP-related condition.

Allele frequency attached by ClinVar (database versions not stated): ESP Exome Variant Server 0.00016; gnomAD 0.00026 and 0.00028; gnomAD exomes 0.00031 and 0.00069; TOPMed 0.00051; 1000 Genomes Project 30x 0.00078; 1000 Genomes Project 0.00080; ExAC 0.00080.
gnomAD v4.1: 498 of 1,605,594 alleles (0.031%); highest among the groups gnomAD compares: East Asian, 0.89%; 2 homozygotes.

Submissions (2):

Labcorp Genetics (formerly Invitae), Labcorp
Classification: Benign. Last evaluated: 2019-12-31. Review status: criteria provided, single submitter. Criteria: Invitae Variant Classification Sherloc (09022015). Collection method: clinical testing. Allele origin: germline.

PreventionGenetics, part of Exact Sciences
Classification: Benign for CMIP-related condition. Last evaluated: 2019-10-28. Review status: no assertion criteria provided. Collection method: clinical testing. Allele origin: germline. Not counted in ClinVar's aggregate classification.
Comment: This variant is classified as benign based on ACMG/AMP sequence variant interpretation guidelines (Richards et al. 2015 PMID: 25741868, with internal and published modifications).